The following is an entry in ClinVar:

ClinVar aggregate classification (germline): Uncertain significance (1 of 4 stars; one submission).

Conditions:
Macular dystrophy with or without extraocular features.

Submission:

Ophthalmic Genetics Group, Institute of Molecular and Clinical Ophthalmology Basel
Classification: Uncertain significance for Macular dystrophy with or without extraocular features. Last evaluated: 2024-12-17. Review status: criteria provided, single submitter. Criteria: ACMG Guidelines, 2015. Collection method: research. Allele origin: germline. Affected: yes. Observed: 1 variant allele.
Comment: This variant results in an in-frame deletion of 9 conserved amino acids, in a non-repeat region of AP5Z1. It has a low population frequency based on gnomAD v2.1.1. and was previously reported in ClinVar as a VUS. This variant was classified as a VUS based on ACMG criteria: PM2_mod, PM4_mod.

Literature cited by the submitters: PubMed 40081374.

NM_014855.3(AP5Z1):c.1421_1447del (p.Pro474_Leu482del)

Gene: AP5Z1 (adaptor related protein complex 5 subunit zeta 1; plus strand). Cytogenetic location: 7p22.1.
Variant type: Deletion.
Coding change: c.1421_1447del on transcript NM_014855.3 (MANE Select); coding-DNA positions 1421 to 1447, 27 bases deleted (CCTGCTTGACGGCGGTGCTGGACCTGC).
Protein change: p.Pro474_Leu482del.
Molecular consequence: non-coding transcript variant (on NR_157345.1).
Genome position (GRCh38, 1-based): chr7:4,787,743-4,787,769, CCTGCTTGACGGCGGTGCTGGACCTGC deleted; deleting any 27 consecutive bases within chr7:4,787,731-4,787,769 gives the same sequence; the c. name uses the placement nearest the transcript's 3' end. VCF-style (leftmost placement, unchanged base first): chr7-4787730-CTGCTGGACCTGCCCTGCTTGACGGCGG-C. GRCh37 (hg19) VCF-style: chr7-4827361-CTGCTGGACCTGCCCTGCTTGACGGCGG-C.
Other names: NC_000007.13:g.4827374_4827400del; NP_055670.1:p.(Pro474_Leu482del); c.953_979del, p.Pro318_Leu326del (NM_001364858.1).
Identifiers: ClinVar variation 3777721 (VCV003777721.1).